The following is an entry in ClinVar:

NM_006947.4(SRP72):c.1671A>G (p.Lys557=)

Gene: SRP72 (signal recognition particle 72; plus strand). Cytogenetic location: 4q12.
Variant type: single nucleotide variant.
Coding change: c.1671A>G on transcript NM_006947.4 (MANE Select); coding-DNA position 1671, A replaced by G.
Protein change: p.Lys557=; no amino-acid change (lysine 557 retained).
Molecular consequence: synonymous variant. On other transcripts: non-coding transcript variant (1).
Genome position (GRCh38, 1-based): chr4:56,495,387, A>G. VCF-style: chr4-56495387-A-G. GRCh37 (hg19) VCF-style: chr4-57361553-A-G.
Other names: p.Lys557=; c.1488A>G, p.Lys496= (NM_001267722.2).
Identifiers: ClinVar variation 349131 (VCV000349131.27), dbSNP rs34419325, ClinGen allele CA2931440.

ClinVar aggregate classification (germline): Benign/Likely benign. Review status: criteria provided, multiple submitters, no conflicts (2 of 4 stars). 8 submissions from 8 submitters: Benign (7); Likely benign (1). Last evaluated 2026-02-04.

Conditions:
Autosomal dominant aplasia and myelodysplasia. Also called: Bone marrow failure syndrome 1. Identifiers: Orphanet 314399, MedGen C3808553, MONDO:0013851, OMIM 614675.

Allele frequency attached by ClinVar (database versions not stated): ESP Exome Variant Server 0.06474; gnomAD exomes 0.06661 and 0.09241; TOPMed 0.07778; gnomAD 0.08059 and 0.08343; 1000 Genomes Project 30x 0.10962; 1000 Genomes Project 0.11641; ExAC 0.12294.
gnomAD v4.1: 101,203 of 1,474,210 alleles (6.9%); highest among the groups gnomAD compares: East Asian, 22%; 4,582 homozygotes.

Submissions (8):

Labcorp Genetics (formerly Invitae), Labcorp
Classification: Benign. Last evaluated: 2026-02-04. Review status: criteria provided, single submitter. Criteria: Invitae Variant Classification Sherloc (09022015). Collection method: clinical testing. Allele origin: germline.

ARUP Laboratories, Molecular Genetics and Genomics, ARUP Laboratories
Classification: Benign for Autosomal dominant aplasia and myelodysplasia. Last evaluated: 2025-07-07. Review status: criteria provided, single submitter. Criteria: ARUP Molecular Germline Variant Investigation Process 2024. Collection method: clinical testing. Allele origin: germline.

Blueprint Genetics
Classification: Likely benign. Last evaluated: 2024-11-26. Review status: criteria provided, single submitter. Criteria: ACMG Guidelines, 2015. Collection method: clinical testing. Allele origin: germline.

Mayo Clinic Laboratories, Mayo Clinic
Classification: Benign. Last evaluated: 2022-09-06. Review status: criteria provided, single submitter. Criteria: ACMG Guidelines, 2015. Collection method: clinical testing. Allele origin: germline. Observed: 7 variant alleles.

Genetic Services Laboratory, University of Chicago
Classification: Benign. Last evaluated: 2020-08-25. Review status: criteria provided, single submitter. Criteria: ACMG Guidelines, 2015. Collection method: clinical testing. Allele origin: germline. Affected: no.

GeneDx
Classification: Benign. Last evaluated: 2018-11-10. Review status: criteria provided, single submitter. Criteria: GeneDx Variant Classification Process June 2021. Collection method: clinical testing. Allele origin: germline. Affected: yes.

Illumina Laboratory Services, Illumina
Classification: Benign for Autosomal dominant aplasia and myelodysplasia. Last evaluated: 2018-01-13. Review status: criteria provided, single submitter. Criteria: ICSL Variant Classification Criteria 13 December 2019. Collection method: clinical testing. Allele origin: germline.
Comment: This variant was observed in the ICSL laboratory as part of a predisposition screen in an ostensibly healthy population. It had not been previously curated by ICSL or reported in the Human Gene Mutation Database (HGMD: prior to June 1st, 2018), and was therefore a candidate for classification through an automated scoring system. Utilizing variant allele frequency, disease prevalence and penetrance estimates, and inheritance mode, an automated score was calculated to assess if this variant is too frequent to cause the disease. Based on the score and internal cut-off values, a variant classified as benign is not then subjected to further curation. The score for this variant resulted in a classification of benign for this disease.

Breakthrough Genomics
Classification: Benign. Review status: criteria provided, single submitter. Criteria: ACMG Guidelines, 2015. Collection method: not provided. Allele origin: germline. Inheritance: Autosomal dominant inheritance. Affected: yes.